The following is an entry in ClinVar:

NM_181426.2(CCDC39):c.1960G>A (p.Gly654Arg)

Gene: CCDC39 (coiled-coil domain 39 molecular ruler complex subunit; minus strand). Cytogenetic location: 3q26.33.
Variant type: single nucleotide variant.
Coding change: c.1960G>A on transcript NM_181426.2 (MANE Select); coding-DNA position 1960, G replaced by A.
Protein change: p.Gly654Arg; replaces glycine 654 with arginine.
Molecular consequence: missense variant.
Genome position (GRCh38, 1-based): chr3:180,631,507, C>T on the plus strand (G>A on the coding strand, the complement: CCDC39 is on the minus strand). VCF-style: chr3-180631507-C-T. GRCh37 (hg19) VCF-style: chr3-180349295-C-T.
Other names: short protein forms G654R.
Identifiers: ClinVar variation 344263 (VCV000344263.13), dbSNP rs371143749, ClinGen allele CA2715820.

ClinVar aggregate classification (germline): Uncertain significance. Review status: criteria provided, multiple submitters, no conflicts (2 of 4 stars). 5 submissions from 5 submitters: Uncertain significance (3). 2 of the submissions do not count toward it. Last evaluated 2022-08-12.

Conditions:
Primary ciliary dyskinesia. Also called: Ciliary dyskinesia. Identifiers: Orphanet 244, MedGen C0008780, MONDO:0016575, HP:0012265.
Primary ciliary dyskinesia 14. Also called: CILIARY DYSKINESIA, PRIMARY, 14, WITH OR WITHOUT SITUS INVERSUS. Identifiers: Orphanet 244, MedGen C3151136, MONDO:0013434, OMIM 613807.

Allele frequency attached by ClinVar (database versions not stated): gnomAD 0.00004 and 0.00005; gnomAD exomes 0.00004 and 0.00018; ExAC 0.00005; ESP Exome Variant Server 0.00008; TOPMed 0.00008.
gnomAD v4.1: 264 of 1,607,788 alleles (0.016%); highest among the groups gnomAD compares: Non-Finnish European, 0.022%; no homozygotes.

Submissions (5):

Labcorp Genetics (formerly Invitae), Labcorp
Classification: Uncertain significance for Primary ciliary dyskinesia. Last evaluated: 2022-08-12. Review status: criteria provided, single submitter. Criteria: Invitae Variant Classification Sherloc (09022015). Collection method: clinical testing. Allele origin: germline.
Comment: This sequence change replaces glycine, which is neutral and non-polar, with arginine, which is basic and polar, at codon 654 of the CCDC39 protein (p.Gly654Arg). This variant is present in population databases (rs371143749, gnomAD 0.009%). This variant has not been reported in the literature in individuals affected with CCDC39-related conditions. ClinVar contains an entry for this variant (Variation ID: 344263). Algorithms developed to predict the effect of missense changes on protein structure and function are either unavailable or do not agree on the potential impact of this missense change (SIFT: "Deleterious"; PolyPhen-2: "Probably Damaging"; Align-GVGD: "Class C0"). Algorithms developed to predict the effect of sequence changes on RNA splicing suggest that this variant may create or strengthen a splice site. In summary, the available evidence is currently insufficient to determine the role of this variant in disease. Therefore, it has been classified as a Variant of Uncertain Significance.

Genetics and Molecular Pathology, SA Pathology
Classification: Uncertain significance for Primary ciliary dyskinesia 14. Last evaluated: 2019-12-10. Review status: criteria provided, single submitter. Criteria: ACMG Guidelines, 2015. Collection method: clinical testing. Allele origin: germline. Inheritance: Autosomal recessive inheritance. Affected: yes.
Comment: This sequence change replaces glycine with arginine at codon 654 of the CCDC39 protein (p.Gly654Arg). The glycine residue is moderately conserved and there is a moderate physicochemical difference between glycine and arginine. This variant is present in population databases (rs371143749, ExAC 0.008%). This variant has not been reported in the literature in individuals with CCDC39-related disease. ClinVar contains an entry for this variant (Variation ID: 344263). Algorithms developed to predict the effect of missense changes on protein structure and function do not agree on the potential impact of this missense change (SIFT: "Deleterious"; PolyPhen-2: "Probably Damaging"; Align-GVGD: "Class C0"). Algorithms developed to predict the effect of sequence changes on RNA splicing suggest that this variant may create or strengthen a splice site, but this prediction has not been confirmed by published transcriptional studies. In summary, the available evidence is currently insufficient to determine the role of this variant in disease. Therefore, it has been classified as a Variant of Uncertain Significance.

Illumina Laboratory Services, Illumina
Classification: Uncertain significance for Primary ciliary dyskinesia 14. Last evaluated: 2018-01-12. Review status: criteria provided, single submitter. Criteria: ICSL Variant Classification Criteria 13 December 2019. Collection method: clinical testing. Allele origin: germline.

Clinical Genetics DNA and cytogenetics Diagnostics Lab, Erasmus MC, Erasmus Medical Center
Classification: Uncertain significance. Review status: no assertion criteria provided. Collection method: clinical testing. Allele origin: germline. Affected: yes. Study: VKGL Data-share Consensus. Not counted in ClinVar's aggregate classification.

Laboratory of Diagnostic Genome Analysis, Leiden University Medical Center (LUMC)
Classification: Uncertain significance. Review status: no assertion criteria provided. Collection method: clinical testing. Allele origin: germline. Affected: yes. Study: VKGL Data-share Consensus. Not counted in ClinVar's aggregate classification.